The following is an entry in ClinVar:

NM_139125.4(MASP1):c.1724C>A (p.Pro575Gln)

Gene: MASP1 (MBL associated serine protease 1; minus strand). Cytogenetic location: 3q27.3.
Variant type: single nucleotide variant.
Coding change: c.1724C>A on transcript NM_139125.4 (MANE Select); coding-DNA position 1724, C replaced by A.
Protein change: p.Pro575Gln; replaces proline 575 with glutamine.
Molecular consequence: missense variant. On other transcripts: non-coding transcript variant (1), intron variant (1).
Genome position (GRCh38, 1-based): chr3:187,236,147, G>T on the plus strand (C>A on the coding strand, the complement: MASP1 is on the minus strand). VCF-style: chr3-187236147-G-T. GRCh37 (hg19) VCF-style: chr3-186953935-G-T.
Other names: c.1303+5334C>A (NM_001879.6); short protein forms P575Q.
Identifiers: ClinVar variation 3725246 (VCV003725246.2).
Genomic context (GRCh38, chr3:187,236,147, plus strand): 5'-ATGCCCCAGCCGGCCACCAGGCCCAGCATGTGGGGGGCCGGGCCTTCAGGCTCAAGCCTT[G>T]GCAGGCAGACAGGCATAACGTGGGGTCCCAGGGGCACAGGCTCCTGCAGCTGCACCAGAG-3'
Protein context (NP_624302.1, residues 565-585): LGPHVMPVCL[Pro575Gln]RLEPEGPAPH

ClinVar aggregate classification (germline): Uncertain significance (1 of 4 stars; one submission).

Conditions:
3MC syndrome 1. Also called: MICHELS SYNDROME; CRANIOSYNOSTOSIS WITH LID ANOMALIES; OCULOPALATOSKELETAL SYNDROME. Identifiers: Orphanet 293843, MedGen C0796059, MONDO:0009770, OMIM 257920.

Submission:

Labcorp Genetics (formerly Invitae), Labcorp
Classification: Uncertain significance for 3MC syndrome 1. Last evaluated: 2024-12-12. Review status: criteria provided, single submitter. Criteria: Invitae Variant Classification Sherloc (09022015). Collection method: clinical testing. Allele origin: germline.
Comment: This sequence change replaces proline, which is neutral and non-polar, with glutamine, which is neutral and polar, at codon 575 of the MASP1 protein (p.Pro575Gln). This variant is not present in population databases (gnomAD no frequency). This variant has not been reported in the literature in individuals affected with MASP1-related conditions. Experimental studies and prediction algorithms are not available or were not evaluated, and the functional significance of this variant is currently unknown. In summary, the available evidence is currently insufficient to determine the role of this variant in disease. Therefore, it has been classified as a Variant of Uncertain Significance.